The following is an entry in ClinVar:

NM_004656.4(BAP1):c.1297G>C (p.Ala433Pro)

Gene: BAP1 (BRCA1 associated deubiquitinase 1; minus strand). Cytogenetic location: 3p21.1.
Variant type: single nucleotide variant.
Coding change: c.1297G>C on transcript NM_004656.4 (MANE Select); coding-DNA position 1297, G replaced by C.
Protein change: p.Ala433Pro; replaces alanine 433 with proline.
Molecular consequence: missense variant.
Genome position (GRCh38, 1-based): chr3:52,403,848, C>G on the plus strand (G>C on the coding strand, the complement: BAP1 is on the minus strand). VCF-style: chr3-52403848-C-G. GRCh37 (hg19) VCF-style: chr3-52437864-C-G.
Other names: c.1297G>C (NM_004656.2); short protein forms A433P.
Identifiers: ClinVar variation 490790 (VCV000490790.9), dbSNP rs1553644988, ClinGen allele CA353102273.

ClinVar aggregate classification (germline): Uncertain significance. Review status: criteria provided, multiple submitters, no conflicts (2 of 4 stars). 3 submissions from 3 submitters: Uncertain significance (3). Last evaluated 2025-03-26.

Conditions:
Hereditary cancer-predisposing syndrome. Also called: Hereditary Cancer Syndrome; Neoplastic Syndromes, Hereditary; Tumor predisposition; Hereditary neoplastic syndrome. Identifiers: Orphanet 140162, MedGen C0027672, MeSH D009386, MONDO:0015356.
BAP1-related tumor predisposition syndrome (TPDS1). Also called: Tumor susceptibility linked to germline BAP1 mutations; BAP1 tumor predisposition syndrome; COMMON Syndrome; TUMOR PREDISPOSITION SYNDROME 1. Identifiers: Orphanet 289539, MedGen C3280492, MONDO:0013692, OMIM 614327.

Submissions (3):

Ambry Genetics
Classification: Uncertain significance for Hereditary cancer-predisposing syndrome. Last evaluated: 2025-03-26. Review status: criteria provided, single submitter. Criteria: Ambry Variant Classification Scheme 2023. Collection method: clinical testing. Allele origin: germline.
Comment: The p.A433P variant (also known as c.1297G>C), located in coding exon 13 of the BAP1 gene, results from a G to C substitution at nucleotide position 1297. The alanine at codon 433 is replaced by proline, an amino acid with highly similar properties. This amino acid position is conserved. In addition, this alteration is predicted to be tolerated by in silico analysis. Based on the available evidence, the clinical significance of this variant remains unclear.

Labcorp Genetics (formerly Invitae), Labcorp
Classification: Uncertain significance for BAP1-related tumor predisposition syndrome. Last evaluated: 2024-12-29. Review status: criteria provided, single submitter. Criteria: Invitae Variant Classification Sherloc (09022015). Collection method: clinical testing. Allele origin: germline.
Comment: This sequence change replaces alanine, which is neutral and non-polar, with proline, which is neutral and non-polar, at codon 433 of the BAP1 protein (p.Ala433Pro). This variant is not present in population databases (gnomAD no frequency). This variant has not been reported in the literature in individuals affected with BAP1-related conditions. ClinVar contains an entry for this variant (Variation ID: 490790). An algorithm developed to predict the effect of missense changes on protein structure and function (PolyPhen-2) suggests that this variant is likely to be tolerated. In summary, the available evidence is currently insufficient to determine the role of this variant in disease. Therefore, it has been classified as a Variant of Uncertain Significance.

Color Diagnostics, LLC DBA Color Health
Classification: Uncertain significance for Hereditary cancer-predisposing syndrome. Last evaluated: 2023-12-05. Review status: criteria provided, single submitter. Criteria: ACMG Guidelines, 2015. Collection method: clinical testing. Allele origin: germline.
Comment: This missense variant replaces alanine with proline at codon 433 of the BAP1 protein. Computational prediction suggests that this variant may not impact protein structure and function (internally defined REVEL score threshold <= 0.5, PMID: 27666373). To our knowledge, functional studies have not been reported for this variant. This variant has not been reported in individuals affected with BAP1-related disorders in the literature. This variant has not been identified in the general population by the Genome Aggregation Database (gnomAD). The available evidence is insufficient to determine the role of this variant in disease conclusively. Therefore, this variant is classified as a Variant of Uncertain Significance.